The following is an entry in ClinVar:

ClinVar aggregate classification (germline): Uncertain significance. Review status: criteria provided, multiple submitters, no conflicts (2 of 4 stars). 2 submissions from 2 submitters: Uncertain significance (2). Last evaluated 2022-06-27.

Allele frequency attached by ClinVar (database versions not stated): gnomAD exomes below 0.00001; ExAC 0.00001; gnomAD 0.00003.
gnomAD v4.1: 7 of 1,598,060 alleles (0.00044%); highest among the groups gnomAD compares: African/African-American, 0.0054%; no homozygotes.

Submissions (2):

Labcorp Genetics (formerly Invitae), Labcorp
Classification: Uncertain significance. Last evaluated: 2022-06-27. Review status: criteria provided, single submitter. Criteria: Invitae Variant Classification Sherloc (09022015). Collection method: clinical testing. Allele origin: germline.
Comment: This variant has not been reported in the literature in individuals affected with PLK4-related conditions. In summary, the available evidence is currently insufficient to determine the role of this variant in disease. Therefore, it has been classified as a Variant of Uncertain Significance. Algorithms developed to predict the effect of missense changes on protein structure and function output the following: SIFT: "Deleterious"; PolyPhen-2: "Benign"; Align-GVGD: "Class C0". The arginine amino acid residue is found in multiple mammalian species, which suggests that this missense change does not adversely affect protein function. ClinVar contains an entry for this variant (Variation ID: 1302103). This variant is present in population databases (rs766811659, gnomAD 0.003%). This sequence change replaces glutamine, which is neutral and polar, with arginine, which is basic and polar, at codon 630 of the PLK4 protein (p.Gln630Arg).

GeneDx
Classification: Uncertain significance. Last evaluated: 2019-06-20. Review status: criteria provided, single submitter. Criteria: GeneDx Variant Classification Process June 2021. Collection method: clinical testing. Allele origin: germline. Affected: yes.
Comment: Not observed at a significant frequency in large population cohorts (Lek et al., 2016); In silico analysis, which includes protein predictors and evolutionary conservation, supports that this variant does not alter protein structure/function; Has not been previously published as pathogenic or benign to our knowledge

NM_014264.5(PLK4):c.1889A>G (p.Gln630Arg)

Gene: PLK4 (polo like kinase 4; plus strand). Cytogenetic location: 4q28.1.
Variant type: single nucleotide variant.
Coding change: c.1889A>G on transcript NM_014264.5 (MANE Select); coding-DNA position 1889, A replaced by G.
Protein change: p.Gln630Arg; replaces glutamine 630 with arginine.
Molecular consequence: missense variant.
Genome position (GRCh38, 1-based): chr4:127,891,150, A>G. VCF-style: chr4-127891150-A-G. GRCh37 (hg19) VCF-style: chr4-128812305-A-G.
Other names: c.1793A>G, p.Gln598Arg (NM_001190799.2); c.1766A>G, p.Gln589Arg (NM_001190801.2); short protein forms Q589R, Q598R, Q630R.
Identifiers: ClinVar variation 1302103 (VCV001302103.9), dbSNP rs766811659, ClinGen allele CA3076883.